The following is an entry in ClinVar:

ClinVar aggregate classification (germline): Uncertain significance (1 of 4 stars; one submission).

Conditions:
Hereditary breast ovarian cancer syndrome. Also called: Hereditary breast and/or ovarian cancer syndrome; Hereditary breast and ovarian cancer; Hereditary breast and ovarian cancer syndrome; Breast and ovarian cancer; Hereditary breast and ovarian cancer syndrome (HBOC); BRCA1- and BRCA2-Associated Hereditary Breast and Ovarian Cancer. Identifiers: Orphanet 145, MedGen C0677776, MeSH D061325, MONDO:0003582. Disease mechanism: loss of function.

Submission:

Labcorp Genetics (formerly Invitae), Labcorp
Classification: Uncertain significance for Hereditary breast ovarian cancer syndrome. Last evaluated: 2022-12-23. Review status: criteria provided, single submitter. Criteria: Invitae Variant Classification Sherloc (09022015). Collection method: clinical testing. Allele origin: germline.
Comment: This sequence change replaces leucine, which is neutral and non-polar, with methionine, which is neutral and non-polar, at codon 246 of the BRCA1 protein (p.Leu246Met). This variant is not present in population databases (gnomAD no frequency). This variant has not been reported in the literature in individuals affected with BRCA1-related conditions. Advanced modeling of protein sequence and biophysical properties (such as structural, functional, and spatial information, amino acid conservation, physicochemical variation, residue mobility, and thermodynamic stability) performed at Invitae indicates that this missense variant is not expected to disrupt BRCA1 protein function. In summary, the available evidence is currently insufficient to determine the role of this variant in disease. Therefore, it has been classified as a Variant of Uncertain Significance.

NM_007294.4(BRCA1):c.736T>A (p.Leu246Met)

Gene: BRCA1 (BRCA1 DNA repair associated; minus strand). Cytogenetic location: 17q21.31.
Variant type: single nucleotide variant.
Coding change: c.736T>A on transcript NM_007294.4 (MANE Select); coding-DNA position 736, T replaced by A.
Protein change: p.Leu246Met; replaces leucine 246 with methionine.
Molecular consequence: missense variant. On other transcripts: 5 prime UTR variant (2), intron variant (13).
Genome position (GRCh38, 1-based): chr17:43,094,795, A>T on the plus strand (T>A on the coding strand, the complement: BRCA1 is on the minus strand). VCF-style: chr17-43094795-A-T. GRCh37 (hg19) VCF-style: chr17-41246812-A-T.
Other names: c.472T>A, p.Leu158Met (NM_001408496.1, NM_001408497.1, NM_001408498.1 and 15 more transcripts); c.403T>A, p.Leu135Met (NM_001408502.1, NM_001407946.1, NM_001407947.1 and 7 more transcripts); c.469T>A, p.Leu157Met (NM_001408504.1, NM_001408503.1, NM_001408505.1 and 5 more transcripts); c.400T>A, p.Leu134Met (NM_001408508.1, NM_001407954.1, NM_001407955.1 and 3 more transcripts); c.610T>A, p.Leu204Met (NM_001407689.1, NM_001407690.1, NM_001407691.1 and 20 more transcripts); c.595T>A, p.Leu199Met (NM_001407692.1, NM_001407694.1, NM_001407695.1 and 43 more transcripts); c.592T>A, p.Leu198Met (NM_001407740.1, NM_001407741.1, NM_001407742.1 and 26 more transcripts); c.523T>A, p.Leu175Met (NM_001407853.1, NM_001407894.1, NM_001407895.1 and 12 more transcripts); and 20 more; short protein forms L175M, L199M, L201M, L204M, L243M, L135M, L158M, L178M.
Identifiers: ClinVar variation 2823695 (VCV002823695.3), dbSNP rs28897675, ClinGen allele CA10600610.